The following is an entry in ClinVar:

NM_207122.2(EXT2):c.620_626+158del

Gene: EXT2 (exostosin glycosyltransferase 2; plus strand). Cytogenetic location: 11p11.2.
Variant type: Deletion.
Coding change: c.620_626+158del on transcript NM_207122.2 (MANE Select); coding-DNA position 620 through 158 bases into the intron after coding-DNA position 626, 165 bases deleted.
Molecular consequence: splice donor variant.
Genome position (GRCh38, 1-based): chr11:44,109,277-44,109,441, 165 bases deleted. GRCh37 (hg19): chr11:44,130,827-44,130,991.
Other names: c.620_626+158del (NM_001389630.1, NM_001178083.3, NM_001389628.1); c.719_725+158del (NM_000401.3).
Identifiers: ClinVar variation 1405824 (VCV001405824.6), dbSNP rs2134971964, ClinGen allele CA2573146283.

ClinVar aggregate classification (germline): Pathogenic (1 of 4 stars; one submission).

Conditions:
Exostoses, multiple, type 2 (EXT2). Also called: Hereditary Multiple Osteochondromatosis, Type II; EXOSTOSES, MULTIPLE, TYPE II. Identifiers: Orphanet 321, MedGen C1851413, MONDO:0007586, OMIM 133701.

Submission:

Labcorp Genetics (formerly Invitae), Labcorp
Classification: Pathogenic for Exostoses, multiple, type 2. Last evaluated: 2025-04-28. Review status: criteria provided, single submitter. Criteria: Invitae Variant Classification Sherloc (09022015). Collection method: clinical testing. Allele origin: germline.
Comment: This variant results in the deletion of part of exon 3 (c.620_626+158del) of the EXT2 gene. It is expected to disrupt RNA splicing. Variants that disrupt the donor or acceptor splice site typically lead to a loss of protein function (PMID: 16199547), and loss-of-function variants in EXT2 are known to be pathogenic (PMID: 10679937, 19810120). This variant is not present in population databases (gnomAD no frequency). This variant has been observed in individual(s) with autosomal dominant multiple osteochondromas (internal data). For these reasons, this variant has been classified as Pathogenic.

Literature cited by the submitters: PubMed 16199547; PubMed 10679937; PubMed 19810120.